The following is an entry in ClinVar:

NM_170675.5(MEIS2):c.155_163del (p.Gly52_His54del)

Gene: MEIS2 (Meis homeobox 2; minus strand). Cytogenetic location: 15q14.
Variant type: Deletion.
Coding change: c.155_163del on transcript NM_170675.5 (MANE Select); coding-DNA positions 155 to 163, 9 bases deleted (GCGCGCACG; older notation c.155_163delGCGCGCACG).
Protein change: p.Gly52_His54del.
Molecular consequence: inframe deletion. On other transcripts: 5 prime UTR variant (1), non-coding transcript variant (1).
Genome position (GRCh38, 1-based): chr15:37,098,049-37,098,057, CGTGCGCGC deleted on the plus strand (GCGCGCACG on the coding strand, the reverse complement: MEIS2 is on the minus strand); deleting any 9 consecutive bases within chr15:37,098,049-37,098,060 gives the same sequence; the c. name uses the placement nearest the transcript's 3' end. VCF-style (leftmost placement, unchanged base first): chr15-37098048-GCGTGCGCGC-G. GRCh37 (hg19) VCF-style: chr15-37390249-GCGTGCGCGC-G.
Other names: c.155_163del, p.Gly52_His54del (NM_170677.5, NM_001220482.2, NM_170674.5 and 1 more transcripts); c.116_124del, p.Gly39_His41del (NM_172315.3, NM_002399.4); c.-87_-79del (NM_172316.3).
Identifiers: ClinVar variation 5017491 (VCV005017491.1).

ClinVar aggregate classification (germline): Uncertain significance (1 of 4 stars; one submission).

Submission:

GeneDx
Classification: Uncertain significance. Last evaluated: 2026-03-25. Review status: criteria provided, single submitter. Criteria: GeneDx Variant Classification Process June 2021. Collection method: clinical testing. Allele origin: germline.
Comment: Not observed at significant frequency in large population cohorts (gnomAD); In-frame deletion of 3 amino acid(s) in a non-repeat region; In silico analysis supports a deleterious effect on protein structure/function; Has not been previously published as pathogenic or benign to our knowledge